The following is an entry in ClinVar:

NM_138477.4(CDAN1):c.3024_3025insTT (p.Glu1009fs)

Gene: CDAN1 (codanin 1; minus strand). Cytogenetic location: 15q15.2.
Variant type: Insertion.
Coding change: c.3024_3025insTT on transcript NM_138477.4 (MANE Select); coding-DNA positions 3024 to 3025, TT inserted.
Protein change: p.Glu1009fs; shifts the reading frame from glutamic acid 1009.
Molecular consequence: frameshift variant.
Genome position: GRCh38 VCF-style: chr15-42727692-C-CAA. GRCh37 (hg19) VCF-style: chr15-43019890-C-CAA.
Other names: short protein forms E1009fs.
Identifiers: ClinVar variation 817663 (VCV000817663.4), dbSNP rs1223300626, ClinGen allele CA712943313.

ClinVar aggregate classification (germline): Pathogenic. Review status: criteria provided, multiple submitters, no conflicts (2 of 4 stars). 2 submissions from 2 submitters: Pathogenic (2). Last evaluated 2024-11-18.

Allele frequency attached by ClinVar (database versions not stated): gnomAD 0.00001; gnomAD exomes 0.00001; TOPMed 0.00001.

Submissions (2):

Labcorp Genetics (formerly Invitae), Labcorp
Classification: Pathogenic. Last evaluated: 2024-11-18. Review status: criteria provided, single submitter. Criteria: Invitae Variant Classification Sherloc (09022015). Collection method: clinical testing. Allele origin: germline.
Comment: This sequence change creates a premature translational stop signal (p.Glu1009Leufs*24) in the CDAN1 gene. It is expected to result in an absent or disrupted protein product. Loss-of-function variants in CDAN1 are known to be pathogenic (PMID: 16098079, 16141353). This variant is not present in population databases (gnomAD no frequency). This premature translational stop signal has been observed in individual(s) with congenital dyserythropoietic anemia (PMID: 27432187). ClinVar contains an entry for this variant (Variation ID: 817663). For these reasons, this variant has been classified as Pathogenic.

GeneDx
Classification: Pathogenic. Last evaluated: 2018-11-02. Review status: criteria provided, single submitter. Criteria: GeneDx Variant Classification (06012015). Collection method: clinical testing. Allele origin: germline. Affected: yes.
Comment: The c.3024_3025insTT variant in the CDAN1 gene has been reported previously in an individual with congenital dyserythropoietic anemia who also harbored a CDAN1 missense variant, although parental studies were not performed to determine the phase of these two variants (Roy et al., 2016). The c.3024_3025insTT variant causes a frameshift starting with codon Glutamic Acid 1009, changes this amino acid to a Leucine residue, and creates a premature Stop codon at position 24 of the new reading frame, denoted p.Glu1009LeufsX24. This variant is predicted to cause loss of normal protein function either through protein truncation or nonsense-mediated mRNA decay. The c.3024_3025insTT variant is not observed in large population cohorts (Lek et al., 2016). We interpret c.3024_3025insTT as a pathogenic variant.

Literature cited by the submitters: PubMed 16098079 (cited by Labcorp Genetics (formerly Invitae), Labcorp); PubMed 16141353 (cited by Labcorp Genetics (formerly Invitae), Labcorp); PubMed 27432187 (cited by Labcorp Genetics (formerly Invitae), Labcorp).